The following is an entry in ClinVar:

NM_004115.4(FGF14):c.408+1G>A

Gene: FGF14 (fibroblast growth factor 14; minus strand). Cytogenetic location: 13q33.1.
Variant type: single nucleotide variant.
Coding change: c.408+1G>A on transcript NM_004115.4 (MANE Select); the canonical splice donor site of the intron after coding-DNA position 408, G replaced by A.
Molecular consequence: splice donor variant.
Genome position (GRCh38, 1-based): chr13:101,868,724, C>T on the plus strand (G>A on the coding strand, the complement: FGF14 is on the minus strand). VCF-style: chr13-101868724-C-T. GRCh37 (hg19) VCF-style: chr13-102521074-C-T.
Other names: c.267+1G>A (NM_001321947.2); c.306+1G>A (NM_001379342.1, NM_001321948.2, NM_001321945.2); c.156+1G>A (NM_001321946.2, NM_001321949.1, NM_001321943.1 and 4 more transcripts); c.228+1G>A (NM_001321938.2, NM_001321940.1, NM_001321933.1); c.312+1G>A (NM_001321939.2); c.423+1G>A (NM_175929.3, NM_001321937.2); c.222+1G>A (NM_001321941.2); c.219+1G>A (NM_001321944.1, NM_001321936.1, NM_001321932.1).
Identifiers: ClinVar variation 1723288 (VCV001723288.2), dbSNP rs2501856727, ClinGen allele CA388712523.

ClinVar aggregate classification (germline): Likely pathogenic. Review status: criteria provided, multiple submitters, no conflicts (2 of 4 stars). 2 submissions from 2 submitters: Likely pathogenic (2). Last evaluated 2022-12-13.

Conditions:
FGF14-related disorder. Also called: FGF14-related condition.
Spinocerebellar ataxia type 27 (SCA27). Identifiers: Orphanet 98764, MedGen C1836383, MONDO:0012247.

Submissions (2):

PreventionGenetics, part of Exact Sciences
Classification: Likely pathogenic for FGF14-related condition. Last evaluated: 2022-12-13. Review status: criteria provided, single submitter. Criteria: ACMG Guidelines, 2015. Collection method: clinical testing. Allele origin: germline.
Comment: The FGF14 c.408+1G>A variant is predicted to disrupt the GT donor site and interfere with normal splicing. To our knowledge, this variant has not been reported in the literature or in a large population database, indicating this variant is rare. Variants that disrupt the consensus splice donor site in FGF14 are expected to be pathogenic. This variant is interpreted as likely pathogenic.

Women's Health and Genetics/Laboratory Corporation of America, LabCorp
Classification: Likely pathogenic for Spinocerebellar ataxia type 27. Last evaluated: 2022-10-11. Review status: criteria provided, single submitter. Criteria: LabCorp Variant Classification Summary - May 2015. Collection method: clinical testing. Allele origin: germline.
Comment: Variant summary: FGF14 c.408+1G>A is located in a canonical splice-site and is predicted to affect mRNA splicing resulting in a significantly altered protein due to either exon skipping, shortening, or inclusion of intronic material. Several computational tools predict a significant impact on normal splicing: Four predict the variant abolishes a canonical 5' splicing donor site, and two predict the variant abolishes a cryptic 3' acceptor site. However, these predictions have yet to be confirmed by functional studies. The variant was absent in 251390 control chromosomes (gnomAD). To our knowledge, no occurrence of c.408+1G>A in individuals affected with Spinocerebellar Ataxia Type 27 and no experimental evidence demonstrating its impact on protein function have been reported. No clinical diagnostic laboratories have submitted clinical-significance assessments for this variant to ClinVar after 2014. Based on the evidence outlined above, the variant was classified as likely pathogenic.